The following is an entry in ClinVar:

NM_007209.4(RPL35):c.350G>A (p.Arg117Gln)

Gene: RPL35 (ribosomal protein L35; minus strand). Cytogenetic location: 9q33.3.
Variant type: single nucleotide variant.
Coding change: c.350G>A on transcript NM_007209.4 (MANE Select); coding-DNA position 350, G replaced by A.
Protein change: p.Arg117Gln; replaces arginine 117 with glutamine.
Molecular consequence: missense variant.
Genome position (GRCh38, 1-based): chr9:124,857,940, C>T on the plus strand (G>A on the coding strand, the complement: RPL35 is on the minus strand). VCF-style: chr9-124857940-C-T. GRCh37 (hg19) VCF-style: chr9-127620219-C-T.
Other names: c.350G>A (NM_007209.3); short protein forms R117Q.
Identifiers: ClinVar variation 1941907 (VCV001941907.6), dbSNP rs753607321, ClinGen allele CA5237168.
Genomic context (GRCh38, chr9:124,857,940, plus strand): 5'-CAGTCTCAGCCAGCTGTGCTTTATTGACAATGCGCCCCTCAGGCCTTGACCGCGTACTTC[C>T]GCAGCGGGTACAGCCGCTCCTTCCGCTGCTGCTTCTTGGTCTTCAGGTTCTCCTCGTGCT-3'
Protein context (NP_009140.1, residues 107-123): QQRKERLYPL[Arg117Gln]KYAVKA

ClinVar aggregate classification (germline): Uncertain significance. Review status: criteria provided, multiple submitters, no conflicts (2 of 4 stars). 2 submissions from 2 submitters: Uncertain significance (2). Last evaluated 2025-10-01.

Allele frequency attached by ClinVar (database versions not stated): ExAC 0.00002; gnomAD exomes 0.00002; gnomAD 0.00003; TOPMed 0.00003.
gnomAD v4.1: 28 of 1,612,140 alleles (0.0017%); highest among the groups gnomAD compares: African/African-American, 0.013%; no homozygotes.

Submissions (2):

Labcorp Genetics (formerly Invitae), Labcorp
Classification: Uncertain significance. Last evaluated: 2025-10-01. Review status: criteria provided, single submitter. Criteria: Invitae Variant Classification Sherloc (09022015). Collection method: clinical testing. Allele origin: germline.
Comment: This sequence change replaces arginine, which is basic and polar, with glutamine, which is neutral and polar, at codon 117 of the RPL35 protein (p.Arg117Gln). This variant is present in population databases (rs753607321, gnomAD 0.03%). This variant has not been reported in the literature in individuals affected with RPL35-related conditions. ClinVar contains an entry for this variant (Variation ID: 1941907). An algorithm developed to predict the effect of missense changes on protein structure and function (PolyPhen-2) suggests that this variant is likely to be tolerated. In summary, the available evidence is currently insufficient to determine the role of this variant in disease. Therefore, it has been classified as a Variant of Uncertain Significance.

Ambry Genetics
Classification: Uncertain significance. Last evaluated: 2024-05-02. Review status: criteria provided, single submitter. Criteria: Ambry Variant Classification Scheme 2023. Collection method: clinical testing. Allele origin: germline.